The following is an entry in ClinVar:

NM_002381.5(MATN3):c.658G>A (p.Val220Met)

Gene: MATN3 (matrilin 3; minus strand). Cytogenetic location: 2p24.1.
Variant type: single nucleotide variant.
Coding change: c.658G>A on transcript NM_002381.5 (MANE Select); coding-DNA position 658, G replaced by A.
Protein change: p.Val220Met; replaces valine 220 with methionine.
Molecular consequence: missense variant.
Genome position (GRCh38, 1-based): chr2:20,005,876, C>T on the plus strand (G>A on the coding strand, the complement: MATN3 is on the minus strand). VCF-style: chr2-20005876-C-T. GRCh37 (hg19) VCF-style: chr2-20205637-C-T.
Other names: short protein forms V220M.
Identifiers: ClinVar variation 5019274 (VCV005019274.2).

ClinVar aggregate classification (germline): Uncertain significance (1 of 4 stars; one submission).

Conditions:
Spondyloepimetaphyseal dysplasia, matrilin-3 type (SEMDBCD). Also called: SEMD, MATN3-RELATED; Spondyloepimetaphyseal dysplasia, MATN3-related. Identifiers: Orphanet 156728, MedGen C1837481, MONDO:0012108, OMIM 608728.
Osteoarthritis susceptibility 2 (OS2). Identifiers: MedGen C3887526, MONDO:0007704, OMIM 140600.
Multiple epiphyseal dysplasia type 5 (EDM5). Also called: Microepiphyseal dysplasia, bilateral hereditary; MATN3-Related Multiple Epiphyseal Dysplasia. Identifiers: Orphanet 93311, MedGen C1846843, MONDO:0011765, OMIM 607078.

gnomAD v4.1: 6 of 1,609,410 alleles (0.00037%); highest among the groups gnomAD compares: African/African-American, 0.0027%; no homozygotes.

Submission:

Juno Genomics, Hangzhou Juno Genomics, Inc
Classification: Uncertain significance for Spondyloepimetaphyseal dysplasia, matrilin-3 type; Osteoarthritis susceptibility 2; Multiple epiphyseal dysplasia type 5. Review status: criteria provided, single submitter. Criteria: ACMG Guidelines, 2015. Collection method: clinical testing. Allele origin: germline.
Comment: Absent from controls (or at extremely low frequency if recessive) in Genome Aggregation Database.;Multiple lines of computational evidence support a deleterious effect on the gene or gene product.